The following is an entry in ClinVar:

NM_001943.5(DSG2):c.2691C>G (p.Ala897=)

Genes: DSG2 (desmoglein 2; plus strand), DSG2-AS1 (DSG2 antisense RNA 1; minus strand). Cytogenetic location: 18q12.1.
Variant type: single nucleotide variant.
Coding change: c.2691C>G on transcript NM_001943.5 (MANE Select); coding-DNA position 2691, C replaced by G.
Protein change: p.Ala897=; no amino-acid change (alanine 897 retained).
Molecular consequence: synonymous variant.
Genome position (GRCh38, 1-based): chr18:31,546,077, C>G. VCF-style: chr18-31546077-C-G. GRCh37 (hg19) VCF-style: chr18-29126040-C-G.
Other names: c.2691C>G (NM_001943.3).
Identifiers: ClinVar variation 1137473 (VCV001137473.13), dbSNP rs576107985, ClinGen allele CA046846.
Genomic context (GRCh38, chr18:31,546,077, plus strand): 5'-TTCAGAGAATACCTACTCCTCTGGCAGTAGCTTCCCAGTTCCAAAATCTTTGCAAGAAGC[C>G]AATGCAGAGAAAGTAACTCAGGAAATAGTCACTGAAAGATCTGTGTCTTCTAGGCAGGCG-3'
Protein context (NP_001934.2, residues 887-907): SFPVPKSLQE[Ala897=]NAEKVTQEIV

ClinVar aggregate classification (germline): Likely benign. Review status: criteria provided, multiple submitters, no conflicts (2 of 4 stars). 4 submissions from 4 submitters: Likely benign (4). Last evaluated 2025-02-09.

Conditions:
Arrhythmogenic right ventricular cardiomyopathy (ARVD). Also called: Cardiomyopathy, ARVC; Arrhythmogenic right ventricular dysplasia; Arrhythmogenic cardiomyopathy; Arrhythmogenic Right Ventricular Cardiomyopathy (ARVC). Identifiers: Orphanet 247, MedGen C0349788, MeSH D019571, MONDO:0016587. Disease mechanism: loss of function. Inheritance: Various modes of inheritance.
Arrhythmogenic right ventricular dysplasia 10. Also called: Arrhythmogenic Right Ventricular Dysplasia/Cardiomyopathy10; ARRHYTHMOGENIC RIGHT VENTRICULAR DYSPLASIA, FAMILIAL, 10; Arrhythmogenic right ventricular dysplasia/cardiomyopathy, type 10. Identifiers: MedGen C1857777, MONDO:0012434, OMIM 610193.
Cardiovascular phenotype. Identifiers: MedGen CN230736.
Cardiomyopathy (CMYO). Also called: Cardiomyopathies. Identifiers: Orphanet 167848, MedGen C0878544, MONDO:0004994, HP:0001638. Inheritance: Various modes of inheritance.

Allele frequency attached by ClinVar (database versions not stated): gnomAD exomes below 0.00001; ExAC 0.00001; gnomAD 0.00001; TOPMed 0.00003; 1000 Genomes Project 30x 0.00016; 1000 Genomes Project 0.00020.
gnomAD v4.1: 1 of 1,614,162 alleles (0.000062%); highest among the groups gnomAD compares: African/African-American, 0.0013%; no homozygotes.

Submissions (4):

Ambry Genetics
Classification: Likely benign for Cardiovascular phenotype. Last evaluated: 2025-02-09. Review status: criteria provided, single submitter. Criteria: Ambry Variant Classification Scheme 2023. Collection method: clinical testing. Allele origin: germline.

Labcorp Genetics (formerly Invitae), Labcorp
Classification: Likely benign for Arrhythmogenic right ventricular dysplasia 10. Last evaluated: 2024-09-17. Review status: criteria provided, single submitter. Criteria: Invitae Variant Classification Sherloc (09022015). Collection method: clinical testing. Allele origin: germline.

All of Us Research Program, National Institutes of Health
Classification: Likely benign for Arrhythmogenic right ventricular cardiomyopathy. Last evaluated: 2023-11-30. Review status: criteria provided, single submitter. Criteria: ACMG Guidelines, 2015. Collection method: clinical testing. Allele origin: germline. Inheritance: Autosomal dominant inheritance. Observed: 2 variant alleles, 2 heterozygotes.
Comment: This study involves interpretation of variants in research participants for the purpose of population health screening. Participant phenotype was not available at the time of variant classification. Additional details can be found in publication PMID: 35346344, PMCID: PMC8962531

Color Diagnostics, LLC DBA Color Health
Classification: Likely benign for Cardiomyopathy. Last evaluated: 2021-06-14. Review status: criteria provided, single submitter. Criteria: ACMG Guidelines, 2015. Collection method: clinical testing. Allele origin: germline.